The following is an entry in ClinVar:

NM_001854.4(COL11A1):c.2462C>G (p.Pro821Arg)

Gene: COL11A1 (collagen type XI alpha 1 chain; minus strand). Cytogenetic location: 1p21.1.
Variant type: single nucleotide variant.
Coding change: c.2462C>G on transcript NM_001854.4 (MANE Select); coding-DNA position 2462, C replaced by G.
Protein change: p.Pro821Arg; replaces proline 821 with arginine.
Molecular consequence: missense variant. On other transcripts: non-coding transcript variant (1).
Genome position (GRCh38, 1-based): chr1:102,987,673, G>C on the plus strand (C>G on the coding strand, the complement: COL11A1 is on the minus strand). VCF-style: chr1-102987673-G-C. GRCh37 (hg19) VCF-style: chr1-103453229-G-C.
Other names: c.2345C>G, p.Pro782Arg (NM_001190709.2); c.2498C>G, p.Pro833Arg (NM_080629.3); c.2114C>G, p.Pro705Arg (NM_080630.4); short protein forms P705R, P782R, P821R, P833R.
Identifiers: ClinVar variation 1306255 (VCV001306255.2), dbSNP rs2101738235, ClinGen allele CA341166020.

ClinVar aggregate classification (germline): Uncertain significance (1 of 4 stars; one submission).

Submission:

GeneDx
Classification: Uncertain significance. Last evaluated: 2019-06-10. Review status: criteria provided, single submitter. Criteria: GeneDx Variant Classification Process June 2021. Collection method: clinical testing. Allele origin: germline. Affected: yes.
Comment: Not observed in large population cohorts (Lek et al., 2016); In silico analysis, which includes protein predictors and evolutionary conservation, supports a deleterious effect; Has not been previously published as pathogenic or benign to our knowledge